The following is an entry in ClinVar:

NM_006514.4(SCN10A):c.3476T>A (p.Ile1159Asn)

Genes: SCN10A (sodium voltage-gated channel alpha subunit 10; minus strand), LOC110121288 (VISTA enhancer hs2268; plus strand). Cytogenetic location: 3p22.2.
Variant type: single nucleotide variant.
Coding change: c.3476T>A on transcript NM_006514.4 (MANE Select); coding-DNA position 3476, T replaced by A.
Protein change: p.Ile1159Asn; replaces isoleucine 1159 with asparagine.
Molecular consequence: missense variant.
Genome position (GRCh38, 1-based): chr3:38,722,289, A>T on the plus strand (T>A on the coding strand, the complement: SCN10A is on the minus strand). VCF-style: chr3-38722289-A-T. GRCh37 (hg19) VCF-style: chr3-38763780-A-T.
Other names: c.3473T>A, p.Ile1158Asn (NM_001293306.2); c.3182T>A, p.Ile1061Asn (NM_001293307.2); c.3476T>A (NM_006514.2); short protein forms I1061N, I1158N, I1159N.
Identifiers: ClinVar variation 1404567 (VCV001404567.10), dbSNP rs777240104, ClinGen allele CA2320225.

ClinVar aggregate classification (germline): Uncertain significance. Review status: criteria provided, multiple submitters, no conflicts (2 of 4 stars). 4 submissions from 4 submitters: Uncertain significance (4). Last evaluated 2025-07-16.

Conditions:
Cardiovascular phenotype. Identifiers: MedGen CN230736.
Brugada syndrome. Also called: Sudden unexplained nocturnal death syndrome; Sudden unexpected nocturnal death syndrome; Sudden Unexplained Death Syndrome; Sudden Unexplained Nocturnal Death Syndrome (SUNDS). Identifiers: Orphanet 130, MedGen C1142166, MONDO:0015263.
Episodic pain syndrome, familial, 2 (FEPS2). Identifiers: Orphanet 306577, MedGen C3809893, MONDO:0014246, OMIM 615551.

Allele frequency attached by ClinVar (database versions not stated): gnomAD exomes below 0.00001 and 0.00001; ExAC 0.00001; gnomAD 0.00001.
gnomAD v4.1: 9 of 1,613,996 alleles (0.00056%); highest among the groups gnomAD compares: Non-Finnish European, 0.00051%; no homozygotes.

Submissions (4):

Labcorp Genetics (formerly Invitae), Labcorp
Classification: Uncertain significance for Brugada syndrome. Last evaluated: 2025-07-16. Review status: criteria provided, single submitter. Criteria: Invitae Variant Classification Sherloc (09022015). Collection method: clinical testing. Allele origin: germline.
Comment: This sequence change replaces isoleucine, which is neutral and non-polar, with asparagine, which is neutral and polar, at codon 1159 of the SCN10A protein (p.Ile1159Asn). This variant is present in population databases (rs777240104, gnomAD 0.002%). This variant has not been reported in the literature in individuals affected with SCN10A-related conditions. ClinVar contains an entry for this variant (Variation ID: 1404567). Invitae Evidence Modeling of protein sequence and biophysical properties (such as structural, functional, and spatial information, amino acid conservation, physicochemical variation, residue mobility, and thermodynamic stability) indicates that this missense variant is expected to disrupt SCN10A protein function with a positive predictive value of 80%. In summary, the available evidence is currently insufficient to determine the role of this variant in disease. Therefore, it has been classified as a Variant of Uncertain Significance.

Ambry Genetics
Classification: Uncertain significance for Cardiovascular phenotype. Last evaluated: 2024-11-11. Review status: criteria provided, single submitter. Criteria: Ambry Variant Classification Scheme 2023. Collection method: clinical testing. Allele origin: germline.

Fulgent Genetics
Classification: Uncertain significance for Episodic pain syndrome, familial, 2. Last evaluated: 2024-05-23. Review status: criteria provided, single submitter. Criteria: ACMG Guidelines, 2015. Collection method: clinical testing. Allele origin: germline.

GeneDx
Classification: Uncertain significance. Last evaluated: 2023-12-20. Review status: criteria provided, single submitter. Criteria: GeneDx Variant Classification Process June 2021. Collection method: clinical testing. Allele origin: germline. Affected: yes.
Comment: Has not been previously published as pathogenic or benign to our knowledge; Not observed at significant frequency in large population cohorts (gnomAD); In silico analysis supports that this missense variant has a deleterious effect on protein structure/function